The following is an entry in ClinVar:

ClinVar aggregate classification (germline): Likely benign (1 of 4 stars; one submission).

Allele frequency attached by ClinVar (database versions not stated): 1000 Genomes Project 30x 0.00141; 1000 Genomes Project 0.00160; gnomAD 0.00368; ExAC 0.00402; TOPMed 0.00422; ESP Exome Variant Server 0.00500; gnomAD exomes 0.00584.
gnomAD v4.1: 9,073 of 1,613,994 alleles (0.56%); highest among the groups gnomAD compares: Non-Finnish European, 0.69%; 29 homozygotes.

Submission:

CeGaT Center for Human Genetics Tuebingen
Classification: Likely benign. Last evaluated: 2023-03-01. Review status: criteria provided, single submitter. Criteria: CeGaT Center For Human Genetics Tuebingen Variant Classification Criteria Version 2. Collection method: clinical testing. Allele origin: germline. Affected: yes. Observed: 1 variant allele.
Comment: MX2: BS2

NM_002463.2(MX2):c.1222G>A (p.Gly408Arg)

Gene: MX2 (MX dynamin like GTPase 2; plus strand). Cytogenetic location: 21q22.3.
Variant type: single nucleotide variant.
Coding change: c.1222G>A on transcript NM_002463.2 (MANE Select); coding-DNA position 1222, G replaced by A.
Protein change: p.Gly408Arg; replaces glycine 408 with arginine.
Molecular consequence: missense variant.
Genome position (GRCh38, 1-based): chr21:41,398,969, G>A. VCF-style: chr21-41398969-G-A. GRCh37 (hg19) VCF-style: chr21-42770896-G-A.
Other names: short protein forms G408R.
Identifiers: ClinVar variation 2652678 (VCV002652678.24), dbSNP rs141083003, ClinGen allele CA10033248.